The following is an entry in ClinVar:

ClinVar aggregate classification (germline): Uncertain significance (1 of 4 stars; one submission).

gnomAD v4.1: 1 of 994,904 alleles (0.0001%); highest among the groups gnomAD compares: Non-Finnish European, 0.00014%; no homozygotes.

Submission:

CeGaT Center for Human Genetics Tuebingen
Classification: Uncertain significance. Last evaluated: 2022-07-01. Review status: criteria provided, single submitter. Criteria: CeGaT Center For Human Genetics Tuebingen Variant Classification Criteria Version 2. Collection method: clinical testing. Allele origin: germline. Affected: yes. Observed: 1 variant allele.
Comment: SETD1B: PM2, PP2, PP3

NM_001353345.2(SETD1B):c.2152C>G (p.Pro718Ala)

Gene: SETD1B (SET domain containing 1B, histone lysine methyltransferase; plus strand). Cytogenetic location: 12q24.31.
Variant type: single nucleotide variant.
Coding change: c.2152C>G on transcript NM_001353345.2 (MANE Select); coding-DNA position 2152, C replaced by G.
Protein change: p.Pro718Ala; replaces proline 718 with alanine.
Molecular consequence: missense variant.
Genome position (GRCh38, 1-based): chr12:121,814,367, C>G. VCF-style: chr12-121814367-C-G. GRCh37 (hg19) VCF-style: chr12-122252273-C-G.
Other names: short protein forms P718A.
Identifiers: ClinVar variation 2643444 (VCV002643444.24), dbSNP rs1592980729, ClinGen allele CA386994044.